The following is an entry in ClinVar:

NM_001292063.2(OTOG):c.5684C>T (p.Ala1895Val)

Gene: OTOG (otogelin; plus strand). Cytogenetic location: 11p15.1.
Variant type: single nucleotide variant.
Coding change: c.5684C>T on transcript NM_001292063.2 (MANE Select); coding-DNA position 5684, C replaced by T.
Protein change: p.Ala1895Val; replaces alanine 1895 with valine.
Molecular consequence: missense variant.
Genome position (GRCh38, 1-based): chr11:17,610,984, C>T. VCF-style: chr11-17610984-C-T. GRCh37 (hg19) VCF-style: chr11-17632531-C-T.
Other names: c.5720C>T, p.Ala1907Val (NM_001277269.2); short protein forms A1895V, A1907V.
Identifiers: ClinVar variation 3383831 (VCV003383831.1).

ClinVar aggregate classification (germline): Uncertain significance (1 of 4 stars; one submission).

gnomAD v4.1: 1 of 1,550,578 alleles (0.000064%); highest among the groups gnomAD compares: African/African-American, 0.0014%; no homozygotes.

Submission:

GeneDx
Classification: Uncertain significance. Last evaluated: 2024-05-31. Review status: criteria provided, single submitter. Criteria: GeneDx Variant Classification Process June 2021. Collection method: clinical testing. Allele origin: germline. Affected: yes.
Comment: Not observed at significant frequency in large population cohorts (gnomAD); In silico analysis indicates that this missense variant does not alter protein structure/function; Has not been previously published as pathogenic or benign to our knowledge